The following is an entry in ClinVar:

ClinVar aggregate classification (germline): Conflicting classifications of pathogenicity. Review status: criteria provided, conflicting classifications (1 of 4 stars). 2 submissions from 2 submitters: Likely pathogenic (1); Uncertain significance (1). Last evaluated 2026-02-24.

Submissions (2):

GeneDx
Classification: Likely pathogenic. Last evaluated: 2026-02-24. Review status: criteria provided, single submitter. Criteria: GeneDx Variant Classification Process June 2021. Collection method: clinical testing. Allele origin: germline.
Comment: Nonsense variant predicted to result in protein truncation, as the last 138 amino acid(s) are lost, and other loss-of-function variants have been reported downstream in HGMD; This variant is associated with the following publications: (PMID: 9259286)

Mendelics
Classification: Uncertain significance. Last evaluated: 2022-05-04. Review status: criteria provided, single submitter. Criteria: Mendelics Assertion Criteria 2019. Collection method: clinical testing. Allele origin: germline.

NM_000474.4(TWIST1):c.193G>T (p.Glu65Ter)

Gene: TWIST1 (twist family bHLH transcription factor 1; minus strand). Cytogenetic location: 7p21.1.
Variant type: single nucleotide variant.
Coding change: c.193G>T on transcript NM_000474.4 (MANE Select); coding-DNA position 193, G replaced by T.
Protein change: p.Glu65Ter; replaces glutamic acid 65 with a stop codon.
Molecular consequence: nonsense. On other transcripts: non-coding transcript variant (1).
Genome position (GRCh38, 1-based): chr7:19,117,129, C>A on the plus strand (G>T on the coding strand, the complement: TWIST1 is on the minus strand). VCF-style: chr7-19117129-C-A. GRCh37 (hg19) VCF-style: chr7-19156752-C-A.
Other names: c.193G>T (NM_000474.3); short protein forms E65*.
Identifiers: ClinVar variation 1685194 (VCV001685194.2), dbSNP rs1449444508, ClinGen allele CA367015954.